The following is an entry in ClinVar:

ClinVar aggregate classification (germline): Conflicting classifications of pathogenicity. Review status: criteria provided, conflicting classifications (1 of 4 stars). 17 submissions from 13 submitters: Uncertain significance (4); Likely benign (10). 3 of the submissions do not count toward it. Last evaluated 2026-01-13.

Conditions:
TTN-related disorder. Also called: TTN-related condition; TTN-related disease; TTN-related disorders.
Cardiovascular phenotype. Identifiers: MedGen CN230736.
Dilated cardiomyopathy 1G (CMD1G). Identifiers: Orphanet 154, MedGen C1858763, MONDO:0011400, OMIM 604145.
Autosomal recessive limb-girdle muscular dystrophy type 2J (LGMDR10). Also called: Limb-girdle muscular dystrophy, type 2J; MUSCULAR DYSTROPHY, LIMB-GIRDLE, AUTOSOMAL RECESSIVE 10. Identifiers: Orphanet 140922, MedGen C1837342, MONDO:0012127, OMIM 608807.
Early-onset myopathy with fatal cardiomyopathy (CMYO5). Also called: Salih Myopathy; CONGENITAL MYOPATHY 5 WITH CARDIOMYOPATHY. Identifiers: Orphanet 289377, MedGen C2673677, MONDO:0012714, OMIM 611705. Disease mechanism: loss of function.
Myopathy, myofibrillar, 9, with early respiratory failure (MFM9). Also called: Hereditary myopathy with early respiratory failure; Myopathy, distal, with early respiratory failure, autosomal dominant; EDSTROM MYOPATHY; MYOPATHY, PROXIMAL, WITH EARLY RESPIRATORY MUSCLE INVOLVEMENT. Identifiers: Orphanet 178464, Orphanet 34521, MedGen C1863599, MONDO:0011362, OMIM 603689.
Tibial muscular dystrophy (TMD). Also called: Udd Distal Myopathy – Tibial Muscular Dystrophy; Tibial muscular dystrophy, tardive; UDD MYOPATHY. Identifiers: Orphanet 609, MedGen C1838244, MONDO:0010870, OMIM 600334.

Allele frequency attached by ClinVar (database versions not stated): ExAC 0.00007; gnomAD 0.00012; gnomAD exomes 0.00012 and 0.00024; TOPMed 0.00019; ESP Exome Variant Server 0.00025.
gnomAD v4.1: 379 of 1,612,496 alleles (0.024%); highest among the groups gnomAD compares: Non-Finnish European, 0.03%; 1 homozygote.

Submissions (17):

Labcorp Genetics (formerly Invitae), Labcorp
Classification: Likely benign for Dilated cardiomyopathy 1G; Autosomal recessive limb-girdle muscular dystrophy type 2J. Last evaluated: 2026-01-13. Review status: criteria provided, single submitter. Criteria: Invitae Variant Classification Sherloc (09022015). Collection method: clinical testing. Allele origin: germline.

PreventionGenetics, part of Exact Sciences
Classification: Likely benign for TTN-related condition. Last evaluated: 2025-09-23. Review status: criteria provided, single submitter. Criteria: ACMG Guidelines, 2015. Collection method: clinical testing. Allele origin: germline.
Comment: This variant is classified as likely benign based on ACMG/AMP sequence variant interpretation guidelines (Richards et al. 2015 PMID: 25741868, with internal and published modifications).

Women's Health and Genetics/Laboratory Corporation of America, LabCorp
Classification: Likely benign. Last evaluated: 2024-09-29. Review status: criteria provided, single submitter. Criteria: LabCorp Variant Classification Summary - May 2015. Collection method: clinical testing. Allele origin: germline.

Blueprint Genetics
Classification: Likely benign. Last evaluated: 2023-09-06. Review status: criteria provided, single submitter. Criteria: ACMG Guidelines, 2015. Collection method: clinical testing. Allele origin: germline.

CeGaT Center for Human Genetics Tuebingen
Classification: Likely benign. Last evaluated: 2022-11-01. Review status: criteria provided, single submitter. Criteria: CeGaT Center For Human Genetics Tuebingen Variant Classification Criteria Version 2. Collection method: clinical testing. Allele origin: germline. Affected: yes. Observed: 2 variant alleles.
Comment: TTN: BP4, BP7

GeneDx
Classification: Likely benign. Last evaluated: 2021-03-22. Review status: criteria provided, single submitter. Criteria: GeneDx Variant Classification Process June 2021. Collection method: clinical testing. Allele origin: germline. Affected: yes.

Ambry Genetics
Classification: Likely benign for Cardiovascular phenotype. Last evaluated: 2019-04-01. Review status: criteria provided, single submitter. Criteria: Ambry Variant Classification Scheme 2023. Collection method: clinical testing. Allele origin: germline.

Eurofins Ntd Llc (ga)
Classification: Uncertain significance. Last evaluated: 2018-03-29. Review status: criteria provided, single submitter. Criteria: EGL ClinVar v180209 classification definitions. Collection method: clinical testing. Allele origin: germline. Observed: 1 variant allele, 1 heterozygote.

Illumina Laboratory Services, Illumina
Classification: Uncertain significance for Dilated cardiomyopathy 1G. Last evaluated: 2018-01-12. Review status: criteria provided, single submitter. Criteria: ICSL Variant Classification Criteria 13 December 2019. Collection method: clinical testing. Allele origin: germline.

Illumina Laboratory Services, Illumina
Classification: Uncertain significance for Early-onset myopathy with fatal cardiomyopathy. Last evaluated: 2018-01-12. Review status: criteria provided, single submitter. Criteria: ICSL Variant Classification Criteria 13 December 2019. Collection method: clinical testing. Allele origin: germline.

Illumina Laboratory Services, Illumina
Classification: Likely benign for Tibial muscular dystrophy. Last evaluated: 2018-01-12. Review status: criteria provided, single submitter. Criteria: ICSL Variant Classification Criteria 13 December 2019. Collection method: clinical testing. Allele origin: germline.
Comment: This variant was observed in the ICSL laboratory as part of a predisposition screen in an ostensibly healthy population. It had not been previously curated by ICSL or reported in the Human Gene Mutation Database (HGMD: prior to June 1st, 2018), and was therefore a candidate for classification through an automated scoring system. Utilizing variant allele frequency, disease prevalence and penetrance estimates, and inheritance mode, an automated score was calculated to assess if this variant is too frequent to cause the disease. Based on the score and internal cut-off values, a variant classified as likely benign is not then subjected to further curation. The score for this variant resulted in a classification of likely benign for this disease.

Illumina Laboratory Services, Illumina
Classification: Uncertain significance for Autosomal recessive limb-girdle muscular dystrophy type 2J. Last evaluated: 2018-01-12. Review status: criteria provided, single submitter. Criteria: ICSL Variant Classification Criteria 13 December 2019. Collection method: clinical testing. Allele origin: germline.

Illumina Laboratory Services, Illumina
Classification: Likely benign for Myopathy, myofibrillar, 9, with early respiratory failure. Last evaluated: 2018-01-12. Review status: criteria provided, single submitter. Criteria: ICSL Variant Classification Criteria 13 December 2019. Collection method: clinical testing. Allele origin: germline.
Comment: the same text as in the submission from Illumina Laboratory Services, Illumina above.

Laboratory for Molecular Medicine, Mass General Brigham Personalized Medicine
Classification: Likely benign. Last evaluated: 2012-03-19. Review status: criteria provided, single submitter. Criteria: LMM Criteria. Collection method: clinical testing. Allele origin: germline. Observed: 3 variant alleles.
Comment: Leu21223Leu in exon 275 of TTN: This variant is not expected to have clinical si gnificance because it does not alter an amino acid residue and is not located wi thin the splice consensus sequence. It has been identified in 2/6696 European Am erican chromosomes from a broad population by the NHLBI Exome Sequencing Project (dbSNP rs56245285). Leu21223Leu in exon 275 of TTN (rs56245285; allele frequency = 2/6696) **

Clinical Genetics DNA and cytogenetics Diagnostics Lab, Erasmus MC, Erasmus Medical Center
Classification: Likely benign. Review status: no assertion criteria provided. Collection method: clinical testing. Allele origin: germline. Affected: yes. Study: VKGL Data-share Consensus. Not counted in ClinVar's aggregate classification.

Clinical Genetics, Academic Medical Center
Classification: Benign. Review status: no assertion criteria provided. Collection method: clinical testing. Allele origin: germline. Affected: yes. Study: VKGL Data-share Consensus. Not counted in ClinVar's aggregate classification.

Joint Genome Diagnostic Labs from Nijmegen and Maastricht, Radboudumc and MUMC+
Classification: Likely benign. Review status: no assertion criteria provided. Collection method: clinical testing. Allele origin: germline. Affected: yes. Study: VKGL Data-share Consensus. Not counted in ClinVar's aggregate classification.

NM_001267550.2(TTN):c.71373T>G (p.Leu23791=)

Genes: TTN (titin; minus strand), TTN-AS1 (TTN antisense RNA 1; plus strand). Cytogenetic location: 2q31.2.
Variant type: single nucleotide variant.
Coding change: c.71373T>G on transcript NM_001267550.2 (MANE Select); coding-DNA position 71373, T replaced by G.
Protein change: p.Leu23791=; no amino-acid change (leucine 23791 retained).
Molecular consequence: synonymous variant.
Genome position (GRCh38, 1-based): chr2:178,574,759, A>C on the plus strand (T>G on the coding strand, the complement: TTN is on the minus strand). VCF-style: chr2-178574759-A-C. GRCh37 (hg19) VCF-style: chr2-179439486-A-C.
Other names: c.66450T>G, p.Leu22150= (NM_001256850.1); c.63669T>G, p.Leu21223= (NM_133378.4); c.44178T>G, p.Leu14726= (NM_003319.4); c.44553T>G, p.Leu14851= (NM_133432.3); c.44754T>G, p.Leu14918= (NM_133437.4).
Identifiers: ClinVar variation 47299 (VCV000047299.74), dbSNP rs56245285, ClinGen allele CA140607.